The following is an entry in ClinVar:

NM_006035.4(CDC42BPB):c.4495G>A (p.Gly1499Ser)

Gene: CDC42BPB (CDC42 binding protein kinase beta; minus strand). Cytogenetic location: 14q32.32.
Variant type: single nucleotide variant.
Coding change: c.4495G>A on transcript NM_006035.4 (MANE Select); coding-DNA position 4495, G replaced by A.
Protein change: p.Gly1499Ser; replaces glycine 1499 with serine.
Molecular consequence: missense variant.
Genome position (GRCh38, 1-based): chr14:102,940,238, C>T on the plus strand (G>A on the coding strand, the complement: CDC42BPB is on the minus strand). VCF-style: chr14-102940238-C-T. GRCh37 (hg19) VCF-style: chr14-103406575-C-T.
Other names: c.4417G>A, p.Gly1473Ser (NM_001411054.1); short protein forms G1473S, G1499S.
Identifiers: ClinVar variation 3898536 (VCV003898536.7).
Genomic context (GRCh38, chr14:102,940,238, plus strand): 5'-TGCACCGGGAGAAGCCCGCCCGCACAGGAGGGCACCGAGGCCGCCTTACCCTCCGCAGGC[C>T]GATGGTCTGCACCCACTCCATGGTGCGCACATCAAAGACGTCCACGCCATACTCGCTGTA-3'
Protein context (NP_006026.3, residues 1489-1509): VRTMEWVQTI[Gly1499Ser]LRRIRPLNSE

ClinVar aggregate classification (germline): Likely benign (1 of 4 stars; one submission).

gnomAD v4.1: 20 of 1,601,866 alleles (0.0012%); highest among the groups gnomAD compares: African/African-American, 0.013%; no homozygotes.

Submission:

CeGaT Center for Human Genetics Tuebingen
Classification: Likely benign. Last evaluated: 2025-04-01. Review status: criteria provided, single submitter. Criteria: CeGaT Center For Human Genetics Tuebingen Variant Classification Criteria Version 2. Collection method: clinical testing. Allele origin: germline. Affected: yes. Observed: 1 variant allele.
Comment: CDC42BPB: BP4